The following is an entry in ClinVar:

ClinVar aggregate classification (germline): Uncertain significance (1 of 4 stars; one submission).

gnomAD v4.1: 9 of 152,152 alleles (0.0059%); highest among the groups gnomAD compares: South Asian, 0.021%; no homozygotes.

Submission:

Institute for Human Genetics, University Hospital Essen
Classification: Uncertain significance. Last evaluated: 2025-11-27. Review status: criteria provided, single submitter. Criteria: Submitter's publication. Collection method: clinical testing. Allele origin: inherited. Inheritance: Autosomal unknown. Affected: yes. Observed: 1 variant allele, 1 compound heterozygote.
Comment: PM1_supp, PM2_supp, PM3 (criteria rationale detailed in Leitão et al. Nature Genetics 2026)

NR_199791.1(RNU2-2):n.131G>A

Genes: WDR74 (WD repeat domain 74; minus strand), RNU2-2 (RNA, U2 small nuclear 2; minus strand). Cytogenetic location: 11q12.3.
Variant type: single nucleotide variant.
Molecular consequence: non-coding transcript variant (on NR_199791.1). On other transcripts: 5 prime UTR variant (1).
Genome position: GRCh38 VCF-style: chr11-62841679-C-T. GRCh37 (hg19) VCF-style: chr11-62609151-C-T.
Other names: c.-408G>A (NM_001369451.1).
Identifiers: ClinVar variation 4540519 (VCV004540519.1).